The following is an entry in ClinVar:

ClinVar aggregate classification (germline): Uncertain significance (1 of 4 stars; one submission).

Submission:

Ambry Genetics
Classification: Uncertain significance. Last evaluated: 2025-04-13. Review status: criteria provided, single submitter. Criteria: Ambry Variant Classification Scheme 2023. Collection method: clinical testing. Allele origin: germline.
Comment: The p.P1270L variant (also known as c.3809C>T), located in coding exon 14 of the CDK12 gene, results from a C to T substitution at nucleotide position 3809. The proline at codon 1270 is replaced by leucine, an amino acid with similar properties. This amino acid position is conserved. In addition, this alteration is predicted to be tolerated by in silico analysis. Based on the available evidence, the clinical significance of this variant remains unclear.

NM_016507.4(CDK12):c.3809C>T (p.Pro1270Leu)

Gene: CDK12 (cyclin dependent kinase 12; plus strand). Cytogenetic location: 17q12.
Variant type: single nucleotide variant.
Coding change: c.3809C>T on transcript NM_016507.4 (MANE Select); coding-DNA position 3809, C replaced by T.
Protein change: p.Pro1270Leu; replaces proline 1270 with leucine.
Molecular consequence: missense variant.
Genome position (GRCh38, 1-based): chr17:39,530,652, C>T. VCF-style: chr17-39530652-C-T. GRCh37 (hg19) VCF-style: chr17-37686905-C-T.
Other names: c.3782C>T, p.Pro1261Leu (NM_015083.4); short protein forms P1261L, P1270L.
Identifiers: ClinVar variation 3999353 (VCV003999353.1).